The following is an entry in ClinVar:

ClinVar aggregate classification (germline): Uncertain significance (1 of 4 stars; one submission).

Allele frequency attached by ClinVar (database versions not stated): ExAC 0.00001; TOPMed 0.00001; gnomAD 0.00003 and 0.00004; gnomAD exomes 0.00003 and 0.00004.
gnomAD v4.1: 61 of 1,613,708 alleles (0.0038%); highest among the groups gnomAD compares: Non-Finnish European, 0.0047%; no homozygotes.

Submission:

Labcorp Genetics (formerly Invitae), Labcorp
Classification: Uncertain significance. Last evaluated: 2022-08-17. Review status: criteria provided, single submitter. Criteria: Invitae Variant Classification Sherloc (09022015). Collection method: clinical testing. Allele origin: germline.
Comment: This sequence change replaces alanine, which is neutral and non-polar, with threonine, which is neutral and polar, at codon 72 of the PDE6G protein (p.Ala72Thr). This variant is present in population databases (rs761794781, gnomAD 0.006%). This variant has not been reported in the literature in individuals affected with PDE6G-related conditions. ClinVar contains an entry for this variant (Variation ID: 954865). Algorithms developed to predict the effect of missense changes on protein structure and function (SIFT, PolyPhen-2, Align-GVGD) all suggest that this variant is likely to be disruptive. In summary, the available evidence is currently insufficient to determine the role of this variant in disease. Therefore, it has been classified as a Variant of Uncertain Significance.

NM_002602.4(PDE6G):c.214G>A (p.Ala72Thr)

Gene: PDE6G (phosphodiesterase 6G; minus strand). Cytogenetic location: 17q25.3.
Variant type: single nucleotide variant.
Coding change: c.214G>A on transcript NM_002602.4 (MANE Select); coding-DNA position 214, G replaced by A.
Protein change: p.Ala72Thr; replaces alanine 72 with threonine.
Molecular consequence: missense variant. On other transcripts: non-coding transcript variant (2).
Genome position (GRCh38, 1-based): chr17:81,651,124, C>T on the plus strand (G>A on the coding strand, the complement: PDE6G is on the minus strand). VCF-style: chr17-81651124-C-T. GRCh37 (hg19) VCF-style: chr17-79618154-C-T.
Other names: c.214G>A, p.Ala72Thr (NM_001365724.1, NM_001365725.1); short protein forms A72T.
Identifiers: ClinVar variation 954865 (VCV000954865.7), dbSNP rs761794781, ClinGen allele CA8838988.
Genomic context (GRCh38, chr17:81,651,124, plus strand): 5'-GGGCCTCGTGCTAGATGATGCCATATTGGGCCAGCTCGTGCAGCTCCAGGTGGTTGAAGG[C>T]CTCCCAAGGGCAGATGACTGTGATGTCTGTGGGAGAAACGGGCCACGGATCAGAGAGGAT-3'
Protein context (NP_002593.1, residues 62-82): TDITVICPWE[Ala72Thr]FNHLELHELA